The following is an entry in ClinVar:

ClinVar aggregate classification (germline): Uncertain significance. Review status: criteria provided, multiple submitters, no conflicts (2 of 4 stars). 5 submissions from 5 submitters: Uncertain significance (5). Last evaluated 2025-10-23.

Conditions:
Hereditary cancer-predisposing syndrome. Also called: Neoplastic Syndromes, Hereditary; Tumor predisposition; Hereditary Cancer Syndrome; Hereditary neoplastic syndrome. Identifiers: Orphanet 140162, MedGen C0027672, MeSH D009386, MONDO:0015356.
Familial cancer of breast. Also called: BREAST CANCER, FAMILIAL; Hereditary breast cancer; hereditary breast carcinoma. Identifiers: Orphanet 227535, MedGen C0346153, MONDO:0016419, OMIM 114480. Disease mechanism: loss of function.

gnomAD v4.1: 1 of 1,614,164 alleles (0.000062%); highest among the groups gnomAD compares: Non-Finnish European, 0.000085%; no homozygotes.

Submissions (5):

Quest Diagnostics Nichols Institute San Juan Capistrano
Classification: Uncertain significance. Last evaluated: 2025-10-23. Review status: criteria provided, single submitter. Criteria: Quest Diagnostics criteria. Collection method: clinical testing. Allele origin: unknown.
Comment: The PALB2 c.1790T>G (p.Met597Arg) variant has not been reported in individuals with PALB2-related conditions in the published literature. This variant has not been reported in large, multi-ethnic general populations (Genome Aggregation Database). Analysis of this variant using bioinformatics tools for the prediction of the effect of amino acid changes on protein structure and function yielded predictions that this variant is benign. Based on the available information, we are unable to determine the clinical significance of this variant.

Labcorp Genetics (formerly Invitae), Labcorp
Classification: Uncertain significance for Familial cancer of breast. Last evaluated: 2024-10-16. Review status: criteria provided, single submitter. Criteria: Invitae Variant Classification Sherloc (09022015). Collection method: clinical testing. Allele origin: germline.
Comment: This sequence change replaces methionine, which is neutral and non-polar, with arginine, which is basic and polar, at codon 597 of the PALB2 protein (p.Met597Arg). This variant is not present in population databases (gnomAD no frequency). This variant has not been reported in the literature in individuals affected with PALB2-related conditions. ClinVar contains an entry for this variant (Variation ID: 186779). Invitae Evidence Modeling of protein sequence and biophysical properties (such as structural, functional, and spatial information, amino acid conservation, physicochemical variation, residue mobility, and thermodynamic stability) indicates that this missense variant is not expected to disrupt PALB2 protein function with a negative predictive value of 80%. In summary, the available evidence is currently insufficient to determine the role of this variant in disease. Therefore, it has been classified as a Variant of Uncertain Significance.

Baylor Genetics
Classification: Uncertain significance for Familial cancer of breast. Last evaluated: 2023-11-08. Review status: criteria provided, single submitter. Criteria: ACMG Guidelines, 2015. Collection method: clinical testing. Allele origin: unknown.

Ambry Genetics
Classification: Uncertain significance for Hereditary cancer-predisposing syndrome. Last evaluated: 2021-05-14. Review status: criteria provided, single submitter. Criteria: Ambry Variant Classification Scheme 2023. Collection method: clinical testing. Allele origin: germline.
Comment: The p.M597R variant (also known as c.1790T>G), located in coding exon 5 of the PALB2 gene, results from a T to G substitution at nucleotide position 1790. The methionine at codon 597 is replaced by arginine, an amino acid with similar properties. This amino acid position is not well conserved in available vertebrate species. In addition, this alteration is predicted to be tolerated by in silico analysis. Since supporting evidence is limited at this time, the clinical significance of this alteration remains unclear.

GeneDx
Classification: Uncertain significance. Last evaluated: 2020-11-30. Review status: criteria provided, single submitter. Criteria: GeneDx Variant Classification Process June 2021. Collection method: clinical testing. Allele origin: germline. Affected: yes.
Comment: Not observed in large population cohorts (Lek 2016); In silico analysis supports that this missense variant does not alter protein structure/function; Has not been previously published as pathogenic or benign to our knowledge

NM_024675.4(PALB2):c.1790T>G (p.Met597Arg)

Gene: PALB2 (partner and localizer of BRCA2; minus strand). Cytogenetic location: 16p12.2.
Variant type: single nucleotide variant.
Coding change: c.1790T>G on transcript NM_024675.4 (MANE Select); coding-DNA position 1790, T replaced by G.
Protein change: p.Met597Arg; replaces methionine 597 with arginine.
Molecular consequence: missense variant.
Genome position (GRCh38, 1-based): chr16:23,630,364, A>C on the plus strand (T>G on the coding strand, the complement: PALB2 is on the minus strand). VCF-style: chr16-23630364-A-C. GRCh37 (hg19) VCF-style: chr16-23641685-A-C.
Other names: short protein forms M597R.
Identifiers: ClinVar variation 186779 (VCV000186779.16), dbSNP rs786203214, ClinGen allele CA195844.